The following is an entry in ClinVar:

NM_032447.5(FBN3):c.1135C>T (p.Arg379Ter)

Gene: FBN3 (fibrillin 3; minus strand). Cytogenetic location: 19p13.2.
Variant type: single nucleotide variant.
Coding change: c.1135C>T on transcript NM_032447.5 (MANE Select); coding-DNA position 1135, C replaced by T.
Protein change: p.Arg379Ter; replaces arginine 379 with a stop codon.
Molecular consequence: nonsense.
Genome position (GRCh38, 1-based): chr19:8,138,207, G>A on the plus strand (C>T on the coding strand, the complement: FBN3 is on the minus strand). VCF-style: chr19-8138207-G-A. GRCh37 (hg19) VCF-style: chr19-8203091-G-A.
Other names: c.1135C>T, p.Arg379Ter (NM_001321431.2); short protein forms R379*.
Identifiers: ClinVar variation 1434639 (VCV001434639.6), dbSNP rs145809403, ClinGen allele CA9153452.

ClinVar aggregate classification (germline): Uncertain significance (1 of 4 stars; one submission).

Allele frequency attached by ClinVar (database versions not stated): ExAC 0.00011; gnomAD exomes 0.00012; ESP Exome Variant Server 0.00015; gnomAD 0.00018; TOPMed 0.00024.
gnomAD v4.1: 448 of 1,612,670 alleles (0.028%); highest among the groups gnomAD compares: Non-Finnish European, 0.037%; no homozygotes.

Submission:

Labcorp Genetics (formerly Invitae), Labcorp
Classification: Uncertain significance. Last evaluated: 2025-05-29. Review status: criteria provided, single submitter. Criteria: Invitae Variant Classification Sherloc (09022015). Collection method: clinical testing. Allele origin: germline.
Comment: This sequence change creates a premature translational stop signal (p.Arg379*) in the FBN3 gene. It is expected to result in an absent or disrupted protein product. However, the current clinical and genetic evidence is not sufficient to establish whether loss-of-function variants in FBN3 cause disease. This variant is present in population databases (rs145809403, gnomAD 0.02%). This variant has not been reported in the literature in individuals affected with FBN3-related conditions. ClinVar contains an entry for this variant (Variation ID: 1434639). In summary, the available evidence is currently insufficient to determine the role of this variant in disease. Therefore, it has been classified as a Variant of Uncertain Significance.